The following is an entry in ClinVar:

ClinVar aggregate classification (germline): Uncertain significance (1 of 4 stars; one submission).

Conditions:
Spastic paraplegia. Identifiers: MedGen C0037772, HP:0001258.

Allele frequency attached by ClinVar (database versions not stated): gnomAD exomes below 0.00001.
gnomAD v4.1: 1 of 1,611,810 alleles (0.000062%); highest among the groups gnomAD compares: Non-Finnish European, 0.000085%; no homozygotes.

Submission:

Labcorp Genetics (formerly Invitae), Labcorp
Classification: Uncertain significance for Spastic paraplegia. Last evaluated: 2022-07-06. Review status: criteria provided, single submitter. Criteria: Invitae Variant Classification Sherloc (09022015). Collection method: clinical testing. Allele origin: germline.
Comment: ClinVar contains an entry for this variant (Variation ID: 1001433). In summary, the available evidence is currently insufficient to determine the role of this variant in disease. Therefore, it has been classified as a Variant of Uncertain Significance. Algorithms developed to predict the effect of missense changes on protein structure and function are either unavailable or do not agree on the potential impact of this missense change (SIFT: "Deleterious"; PolyPhen-2: "Probably Damaging"; Align-GVGD: "Class C0"). This variant has not been reported in the literature in individuals affected with SACS-related conditions. This variant is not present in population databases (gnomAD no frequency). This sequence change replaces isoleucine, which is neutral and non-polar, with threonine, which is neutral and polar, at codon 1110 of the SACS protein (p.Ile1110Thr).

NM_014363.6(SACS):c.3329T>C (p.Ile1110Thr)

Gene: SACS (sacsin molecular chaperone; minus strand). Cytogenetic location: 13q12.12.
Variant type: single nucleotide variant.
Coding change: c.3329T>C on transcript NM_014363.6 (MANE Select); coding-DNA position 3329, T replaced by C.
Protein change: p.Ile1110Thr; replaces isoleucine 1110 with threonine.
Molecular consequence: missense variant.
Genome position (GRCh38, 1-based): chr13:23,340,547, A>G on the plus strand (T>C on the coding strand, the complement: SACS is on the minus strand). VCF-style: chr13-23340547-A-G. GRCh37 (hg19) VCF-style: chr13-23914686-A-G.
Other names: c.2888T>C, p.Ile963Thr (NM_001278055.2); short protein forms I1110T, I963T.
Identifiers: ClinVar variation 1001433 (VCV001001433.8), dbSNP rs1869108945, ClinGen allele CA387535835.
Genomic context (GRCh38, chr13:23,340,547, plus strand): 5'-GTTTTGGCTTTCTTCAGAAGAACATCTTGATCAGGACAAGCACCGACCTGTAAGGCTTCA[A>G]TTTTTTTTGCCACTTGCACAACATCCTTTTCTTTGAGACTGGCTTCGTTTTTTAAACCAA-3'
Protein context (NP_055178.3, residues 1100-1120): EKDVVQVAKK[Ile1110Thr]EALQVGACPD